The following is an entry in ClinVar:

ClinVar aggregate classification (germline): Conflicting classifications of pathogenicity. Review status: criteria provided, conflicting classifications (1 of 4 stars). 2 submissions from 2 submitters: Uncertain significance (1); Likely benign (1). Last evaluated 2025-08-04.

Conditions:
Epileptic encephalopathy. Identifiers: MedGen C0543888, HP:0200134.

Allele frequency attached by ClinVar (database versions not stated): gnomAD exomes 0.00002; TOPMed 0.00002; ExAC 0.00005; gnomAD 0.00005.
gnomAD v4.1: 32 of 1,564,308 alleles (0.002%); highest among the groups gnomAD compares: South Asian, 0.007%; no homozygotes.

Submissions (2):

Labcorp Genetics (formerly Invitae), Labcorp
Classification: Uncertain significance for Epileptic encephalopathy. Last evaluated: 2025-08-04. Review status: criteria provided, single submitter. Criteria: Invitae Variant Classification Sherloc (09022015). Collection method: clinical testing. Allele origin: germline.
Comment: This sequence change replaces glutamic acid, which is acidic and polar, with lysine, which is basic and polar, at codon 1286 of the FASN protein (p.Glu1286Lys). This variant is present in population databases (rs776776391, gnomAD 0.005%). This variant has not been reported in the literature in individuals affected with FASN-related conditions. ClinVar contains an entry for this variant (Variation ID: 940150). An algorithm developed to predict the effect of missense changes on protein structure and function outputs the following: PolyPhen-2: "Benign". The lysine amino acid residue is found in multiple mammalian species, which suggests that this missense change does not adversely affect protein function. In summary, the available evidence is currently insufficient to determine the role of this variant in disease. Therefore, it has been classified as a Variant of Uncertain Significance.

Ambry Genetics
Classification: Likely benign. Last evaluated: 2022-12-14. Review status: criteria provided, single submitter. Criteria: Ambry Variant Classification Scheme 2023. Collection method: clinical testing. Allele origin: germline.

NM_004104.5(FASN):c.3856G>A (p.Glu1286Lys)

Gene: FASN (fatty acid synthase; minus strand). Cytogenetic location: 17q25.3.
Variant type: single nucleotide variant.
Coding change: c.3856G>A on transcript NM_004104.5 (MANE Select); coding-DNA position 3856, G replaced by A.
Protein change: p.Glu1286Lys; replaces glutamic acid 1286 with lysine.
Molecular consequence: missense variant.
Genome position (GRCh38, 1-based): chr17:82,085,748, C>T on the plus strand (G>A on the coding strand, the complement: FASN is on the minus strand). VCF-style: chr17-82085748-C-T. GRCh37 (hg19) VCF-style: chr17-80043624-C-T.
Other names: short protein forms E1286K.
Identifiers: ClinVar variation 940150 (VCV000940150.10), dbSNP rs776776391, ClinGen allele CA8852258.
Genomic context (GRCh38, chr17:82,085,748, plus strand): 5'-CGCTGGGGGCAGGGTCTGCGGGATCCCACTGGCCCTGGGCAACGTCGTGCTGCTGCAGCT[C>T]GGCCTGGGCAGCCTCCAGGGCCTGGGGGTGGCGGTCGGTGGCCGTGTAGCTCAGCTGCAG-3'
Protein context (NP_004095.4, residues 1276-1296): HPQALEAAQA[Glu1286Lys]LQQHDVAQGQ